The following is an entry in ClinVar:

ClinVar aggregate classification (germline): Uncertain significance (1 of 4 stars; one submission).

Conditions:
Fetal akinesia deformation sequence 1 (FADS1). Also called: Fetal akinesia sequence; Pena-Shokeir syndrome type I. Identifiers: Orphanet 994, MedGen C1276035, MONDO:0100101, OMIM 208150, HP:0001989.
Congenital myasthenic syndrome 9. Also called: Myasthenic syndrome, congenital, 9, associated with acetylcholine receptor deficiency. Identifiers: Orphanet 590, MedGen C4225368, MONDO:0014587, OMIM 616325.

Allele frequency attached by ClinVar (database versions not stated): gnomAD 0.00001; TOPMed 0.00002.

Submission:

Labcorp Genetics (formerly Invitae), Labcorp
Classification: Uncertain significance for Congenital myasthenic syndrome 9; Fetal akinesia deformation sequence 1. Last evaluated: 2024-02-05. Review status: criteria provided, single submitter. Criteria: Invitae Variant Classification Sherloc (09022015). Collection method: clinical testing. Allele origin: germline.
Comment: This sequence change replaces valine, which is neutral and non-polar, with phenylalanine, which is neutral and non-polar, at codon 488 of the MUSK protein (p.Val488Phe). This variant is present in population databases (no rsID available, gnomAD 0.007%). This variant has not been reported in the literature in individuals affected with MUSK-related conditions. ClinVar contains an entry for this variant (Variation ID: 2161293). Advanced modeling of protein sequence and biophysical properties (such as structural, functional, and spatial information, amino acid conservation, physicochemical variation, residue mobility, and thermodynamic stability) performed at Invitae indicates that this missense variant is not expected to disrupt MUSK protein function with a negative predictive value of 80%. In summary, the available evidence is currently insufficient to determine the role of this variant in disease. Therefore, it has been classified as a Variant of Uncertain Significance.

NM_005592.4(MUSK):c.1462G>T (p.Val488Phe)

Gene: MUSK (muscle associated receptor tyrosine kinase; plus strand). Cytogenetic location: 9q31.3.
Variant type: single nucleotide variant.
Coding change: c.1462G>T on transcript NM_005592.4 (MANE Select); coding-DNA position 1462, G replaced by T.
Protein change: p.Val488Phe; replaces valine 488 with phenylalanine.
Molecular consequence: missense variant.
Genome position (GRCh38, 1-based): chr9:110,784,892, G>T. VCF-style: chr9-110784892-G-T. GRCh37 (hg19) VCF-style: chr9-113547172-G-T.
Other names: c.1204G>T, p.Val402Phe (NM_001166280.2); c.1174G>T, p.Val392Phe (NM_001166281.2); c.202G>T, p.Val68Phe (NM_001369398.1); short protein forms V402F, V68F, V392F, V488F.
Identifiers: ClinVar variation 2161293 (VCV002161293.3), dbSNP rs1345123857, ClinGen allele CA374474947.
Genomic context (GRCh38, chr9:110,784,892, plus strand): 5'-TCCTCAAAGCCAAGTGTGGACATTCCAAATCTGCCTTCCTCCTCCTCTTCTTCCTTCTCT[G>T]TCTCACCTACATACTCCATGACTGTAATAATCTCCATCATGTCCAGCTTTGCAATATTTG-3'
Protein context (NP_005583.1, residues 478-498): LPSSSSSSFS[Val488Phe]SPTYSMTVII